The following is an entry in ClinVar:

ClinVar aggregate classification (germline): Benign/Likely benign. Review status: criteria provided, multiple submitters, no conflicts (2 of 4 stars). 4 submissions from 4 submitters: Benign (1); Likely benign (3). Last evaluated 2025-12-22.

Conditions:
Hereditary cancer-predisposing syndrome. Also called: Neoplastic Syndromes, Hereditary; Tumor predisposition; Hereditary neoplastic syndrome; Hereditary Cancer Syndrome. Identifiers: Orphanet 140162, MedGen C0027672, MeSH D009386, MONDO:0015356.
Prostate cancer, hereditary, 9 (HPC9). Identifiers: Orphanet 1331, MedGen C1970250, MONDO:0012597, OMIM 610997.

Allele frequency attached by ClinVar (database versions not stated): gnomAD exomes below 0.00001; TOPMed below 0.00001; ExAC 0.00001; gnomAD 0.00001.

Submissions (4):

Labcorp Genetics (formerly Invitae), Labcorp
Classification: Likely benign. Last evaluated: 2025-12-22. Review status: criteria provided, single submitter. Criteria: Invitae Variant Classification Sherloc (09022015). Collection method: clinical testing. Allele origin: germline.

CeGaT Center for Human Genetics Tuebingen
Classification: Likely benign. Last evaluated: 2025-02-01. Review status: criteria provided, single submitter. Criteria: CeGaT Center For Human Genetics Tuebingen Variant Classification Criteria Version 2. Collection method: clinical testing. Allele origin: germline. Affected: yes. Observed: 1 variant allele.
Comment: HOXB13: BP4, BP7

Myriad Genetics, Inc.
Classification: Benign for Prostate cancer, hereditary, 9. Last evaluated: 2024-10-29. Review status: criteria provided, single submitter. Criteria: Myriad Autosomal Dominant, Autosomal Recessive and X-Linked Classification Criteria (2023). Collection method: clinical testing. Allele origin: unknown.
Comment: This variant is considered benign. This variant is a silent/synonymous amino acid change and it is not expected to impact splicing.

Ambry Genetics
Classification: Likely benign for Hereditary cancer-predisposing syndrome. Last evaluated: 2022-05-29. Review status: criteria provided, single submitter. Criteria: Ambry Variant Classification Scheme 2023. Collection method: clinical testing. Allele origin: germline.

NM_006361.6(HOXB13):c.285C>T (p.Ser95=)

Gene: HOXB13 (homeobox B13; minus strand). Cytogenetic location: 17q21.32.
Variant type: single nucleotide variant.
Coding change: c.285C>T on transcript NM_006361.6 (MANE Select); coding-DNA position 285, C replaced by T.
Protein change: p.Ser95=; no amino-acid change (serine 95 retained).
Molecular consequence: synonymous variant.
Genome position (GRCh38, 1-based): chr17:48,728,309, G>A on the plus strand (C>T on the coding strand, the complement: HOXB13 is on the minus strand). VCF-style: chr17-48728309-G-A. GRCh37 (hg19) VCF-style: chr17-46805671-G-A.
Identifiers: ClinVar variation 1096885 (VCV001096885.25), dbSNP rs750529308, ClinGen allele CA8634027.